The following is an entry in ClinVar:

Conditions:
Breast-ovarian cancer, familial, susceptibility to, 1 (BROVCA1). Also called: BRCA1 Hereditary Breast and Ovarian Cancer; OVARIAN CANCER, SUSCEPTIBILITY TO. Identifiers: Orphanet 145, MedGen C2676676, MONDO:0011450, OMIM 604370. Disease mechanism: loss of function.

Submission:

Brotman Baty Institute, University of Washington
No classification provided (evidence only). Condition: Breast-ovarian cancer, familial 1. Review status: no classification provided. Collection method: in vitro. Allele origin: not applicable. Functional consequence: function_uncertain_variant.
ClinVar note: "not provided" was previously submitted as the classification for the variant. However, the classification appeared to be based only on an observation of functional data so it was converted to no classification on 2025-07-30.

NM_007294.4(BRCA1):c.58A>C (p.Lys20Gln)

Gene: BRCA1 (BRCA1 DNA repair associated; minus strand). Cytogenetic location: 17q21.31.
Variant type: single nucleotide variant.
Coding change: c.58A>C on transcript NM_007294.4 (MANE Select); coding-DNA position 58, A replaced by C.
Protein change: p.Lys20Gln; replaces lysine 20 with glutamine.
Molecular consequence: missense variant. On other transcripts: 5 prime UTR variant (1), non-coding transcript variant (1).
Genome position (GRCh38, 1-based): chr17:43,124,039, T>G on the plus strand (A>C on the coding strand, the complement: BRCA1 is on the minus strand). VCF-style: chr17-43124039-T-G. GRCh37 (hg19) VCF-style: chr17-41276056-T-G.
Other names: c.-131A>C (NM_001407571.1, NM_001407853.1, NM_001407879.1 and 46 more transcripts); c.58A>C, p.Lys20Gln (NM_001407581.1, NM_001407582.1, NM_001407583.1 and 193 more transcripts); c.-200A>C (NM_001407694.1, NM_001407724.1, NM_001407727.1 and 11 more transcripts); c.-204A>C (NM_001407695.1, NM_001408465.1); c.-345A>C (NM_001407696.1); c.-229A>C (NM_001407697.1, NM_001407846.1, NM_001407920.1); c.-30A>C (NM_001407698.1, NM_001407732.1, NM_001407736.1 and 23 more transcripts); c.-203A>C (NM_001407725.1, NM_001407730.1, NM_001407734.1 and 22 more transcripts); and 8 more; short protein forms K20Q.
Identifiers: ClinVar variation 868742 (VCV000868742.3), dbSNP rs2055725050, ClinGen allele CA10602041.